The following is an entry in ClinVar:

ClinVar aggregate classification (germline): Pathogenic. Review status: criteria provided, multiple submitters, no conflicts (2 of 4 stars). 2 submissions from 2 submitters: Pathogenic (2). Last evaluated 2025-06-22.

Conditions:
Klippel-Feil anomaly-myopathy-facial dysmorphism syndrome. Also called: Klippel-feil syndrome 4, autosomal recessive, with nemaline myopathy and facial dysmorphism; Klippel-Feil syndrome 4, autosomal recessive, with myopathy and facial dysmorphism. Identifiers: Orphanet 447974, MedGen C4225285, MONDO:0014689, OMIM 616549.

Allele frequency attached by ClinVar (database versions not stated): ExAC 0.00001; TOPMed 0.00001; gnomAD 0.00002; ESP Exome Variant Server 0.00008.
gnomAD v4.1: 23 of 1,613,782 alleles (0.0014%); highest among the groups gnomAD compares: East Asian, 0.0022%; no homozygotes.

Submissions (2):

Labcorp Genetics (formerly Invitae), Labcorp
Classification: Pathogenic. Last evaluated: 2025-06-22. Review status: criteria provided, single submitter. Criteria: Invitae Variant Classification Sherloc (09022015). Collection method: clinical testing. Allele origin: germline.
Comment: This sequence change creates a premature translational stop signal (p.Arg1598*) in the MYO18B gene. It is expected to result in an absent or disrupted protein product. Loss-of-function variants in MYO18B are known to be pathogenic (PMID: 25748484, 32184166, 32637634). This variant is present in population databases (rs375819351, gnomAD 0.003%). This variant has not been reported in the literature in individuals affected with MYO18B-related conditions. ClinVar contains an entry for this variant (Variation ID: 2193537). For these reasons, this variant has been classified as Pathogenic.

Women's Health and Genetics/Laboratory Corporation of America, LabCorp
Classification: Pathogenic for Klippel-Feil anomaly-myopathy-facial dysmorphism syndrome. Last evaluated: 2024-03-25. Review status: criteria provided, single submitter. Criteria: LabCorp Variant Classification Summary - May 2015. Collection method: clinical testing. Allele origin: germline.
Comment: Variant summary: MYO18B c.4792C>T (p.Arg1598X) results in a premature termination codon, predicted to cause a truncation of the encoded protein or absence of the protein due to nonsense mediated decay, which are commonly known mechanisms for disease. The variant allele was found at a frequency of 1.6e-05 in 249032 control chromosomes. To our knowledge, no occurrence of c.4792C>T in individuals affected with Klippel-Feil Anomaly-Myopathy Dysmorphism Syndrome and no experimental evidence demonstrating its impact on protein function have been reported. ClinVar contains an entry for this variant (Variation ID: 2193537). Based on the evidence outlined above, the variant was classified as pathogenic.

Literature cited by the submitters: PubMed 25748484 (cited by Labcorp Genetics (formerly Invitae), Labcorp); PubMed 32184166 (cited by Labcorp Genetics (formerly Invitae), Labcorp); PubMed 32637634 (cited by Labcorp Genetics (formerly Invitae), Labcorp).

NM_032608.7(MYO18B):c.4792C>T (p.Arg1598Ter)

Genes: MYO18B (myosin XVIIIB; plus strand), MYO18B-AS1 (MYO18B antisense RNA 1; minus strand). Cytogenetic location: 22q12.1.
Variant type: single nucleotide variant.
Coding change: c.4792C>T on transcript NM_032608.7 (MANE Select); coding-DNA position 4792, C replaced by T.
Protein change: p.Arg1598Ter; replaces arginine 1598 with a stop codon.
Molecular consequence: nonsense.
Genome position (GRCh38, 1-based): chr22:25,898,430, C>T. VCF-style: chr22-25898430-C-T. GRCh37 (hg19) VCF-style: chr22-26294397-C-T.
Other names: c.4795C>T, p.Arg1599Ter (NM_001318245.2); short protein forms R1599*, R1598*.
Identifiers: ClinVar variation 2193537 (VCV002193537.6), dbSNP rs375819351, ClinGen allele CA10160978.